The following is an entry in ClinVar:

NM_000057.4(BLM):c.658T>G (p.Leu220Val)

Gene: BLM (BLM RecQ like helicase; plus strand). Cytogenetic location: 15q26.1.
Variant type: single nucleotide variant.
Coding change: c.658T>G on transcript NM_000057.4 (MANE Select); coding-DNA position 658, T replaced by G.
Protein change: p.Leu220Val; replaces leucine 220 with valine.
Molecular consequence: missense variant. On other transcripts: 5 prime UTR variant (1).
Genome position (GRCh38, 1-based): chr15:90,749,926, T>G. VCF-style: chr15-90749926-T-G. GRCh37 (hg19) VCF-style: chr15-91293156-T-G.
Other names: c.658T>G, p.Leu220Val (NM_001287246.2, NM_001287247.2); c.-634T>G (NM_001287248.2); short protein forms L220V.
Identifiers: ClinVar variation 1754356 (VCV001754356.2), dbSNP rs2151147869, ClinGen allele CA393841271.

ClinVar aggregate classification (germline): Uncertain significance (1 of 4 stars; one submission).

Conditions:
Hereditary cancer-predisposing syndrome. Also called: Neoplastic Syndromes, Hereditary; Tumor predisposition; Hereditary Cancer Syndrome; Hereditary neoplastic syndrome. Identifiers: Orphanet 140162, MedGen C0027672, MeSH D009386, MONDO:0015356.

Submission:

Ambry Genetics
Classification: Uncertain significance for Hereditary cancer-predisposing syndrome. Last evaluated: 2022-03-19. Review status: criteria provided, single submitter. Criteria: Ambry Variant Classification Scheme 2023. Collection method: clinical testing. Allele origin: germline.
Comment: The p.L220V variant (also known as c.658T>G), located in coding exon 2 of the BLM gene, results from a T to G substitution at nucleotide position 658. The leucine at codon 220 is replaced by valine, an amino acid with highly similar properties. This amino acid position is conserved. In addition, this alteration is predicted to be tolerated by in silico analysis. Since supporting evidence is limited at this time, the clinical significance of this alteration remains unclear.